The following is an entry in ClinVar:

NM_003865.3(HESX1):c.431A>C (p.Lys144Thr)

Gene: HESX1 (HESX homeobox 1; minus strand). Cytogenetic location: 3p14.3.
Variant type: single nucleotide variant.
Coding change: c.431A>C on transcript NM_003865.3 (MANE Select); coding-DNA position 431, A replaced by C.
Protein change: p.Lys144Thr; replaces lysine 144 with threonine.
Molecular consequence: missense variant. On other transcripts: non-coding transcript variant (1).
Genome position (GRCh38, 1-based): chr3:57,198,419, T>G on the plus strand (A>C on the coding strand, the complement: HESX1 is on the minus strand). VCF-style: chr3-57198419-T-G. GRCh37 (hg19) VCF-style: chr3-57232447-T-G.
Other names: c.431A>C, p.Lys144Thr (NM_001376058.1, NM_001376059.1, NM_001376060.1 and 1 more transcripts); short protein forms K144T.
Identifiers: ClinVar variation 2949163 (VCV002949163.3), dbSNP rs2060461605, ClinGen allele CA353400683.

ClinVar aggregate classification (germline): Uncertain significance (1 of 4 stars; one submission).

Conditions:
Septo-optic dysplasia sequence (SOD). Also called: DE MORSIER SYNDROME; Septo-optic dysplasia. Identifiers: Orphanet 3157, MedGen C0338503, MONDO:0008428, OMIM 182230, HP:0100842.
GROWTH HORMONE DEFICIENCY WITH PITUITARY ANOMALIES. Identifiers: MedGen C2750027, OMIM 182230.

gnomAD v4.1: 1 of 1,607,006 alleles (0.000062%); no homozygotes.

Submission:

Labcorp Genetics (formerly Invitae), Labcorp
Classification: Uncertain significance for GROWTH HORMONE DEFICIENCY WITH PITUITARY ANOMALIES; Septo-optic dysplasia sequence. Last evaluated: 2023-06-22. Review status: criteria provided, single submitter. Criteria: Invitae Variant Classification Sherloc (09022015). Collection method: clinical testing. Allele origin: germline.
Comment: This variant has not been reported in the literature in individuals affected with HESX1-related conditions. This sequence change replaces lysine, which is basic and polar, with threonine, which is neutral and polar, at codon 144 of the HESX1 protein (p.Lys144Thr). This variant is not present in population databases (gnomAD no frequency). An algorithm developed to predict the effect of missense changes on protein structure and function (PolyPhen-2) suggests that this variant is likely to be tolerated. In summary, the available evidence is currently insufficient to determine the role of this variant in disease. Therefore, it has been classified as a Variant of Uncertain Significance.